The following is an entry in ClinVar:

NM_194323.3(OTOF):c.3667A>G (p.Met1223Val)

Gene: OTOF (otoferlin; minus strand). Cytogenetic location: 2p23.3.
Variant type: single nucleotide variant.
Coding change: c.3667A>G on transcript NM_194323.3 (MANE Plus Clinical); coding-DNA position 3667, A replaced by G.
Protein change: p.Met1223Val; replaces methionine 1223 with valine.
Molecular consequence: missense variant. On other transcripts: 3 prime UTR variant (3).
Genome position (GRCh38, 1-based): chr2:26,458,066, T>C on the plus strand (A>G on the coding strand, the complement: OTOF is on the minus strand). VCF-style: chr2-26458066-T-C. GRCh37 (hg19) VCF-style: chr2-26680934-T-C.
Other names: c.5968A>G, p.Met1990Val (NM_001287489.2); c.*172A>G (NM_004802.4, NM_194248.3, NM_194322.3); short protein forms M1223V, M1990V.
Identifiers: ClinVar variation 3369866 (VCV003369866.1).

ClinVar aggregate classification (germline): Uncertain significance (1 of 4 stars; one submission).

gnomAD v4.1: 31 of 1,613,736 alleles (0.0019%); highest among the groups gnomAD compares: Non-Finnish European, 0.0024%; no homozygotes.

Submission:

GeneDx
Classification: Uncertain significance. Last evaluated: 2024-02-28. Review status: criteria provided, single submitter. Criteria: GeneDx Variant Classification Process June 2021. Collection method: clinical testing. Allele origin: germline. Affected: yes.
Comment: Not observed at significant frequency in large population cohorts (gnomAD); In silico analysis supports that this missense variant does not alter protein structure/function; Has not been previously published as pathogenic or benign to our knowledge